The following is an entry in ClinVar:

ClinVar aggregate classification (germline): Pathogenic (1 of 4 stars; one submission).

Submission:

Labcorp Genetics (formerly Invitae), Labcorp
Classification: Pathogenic. Last evaluated: 2025-06-06. Review status: criteria provided, single submitter. Criteria: Invitae Variant Classification Sherloc (09022015). Collection method: clinical testing. Allele origin: germline.
Comment: This sequence change creates a premature translational stop signal (p.Arg129Glufs*54) in the HELLS gene. It is expected to result in an absent or disrupted protein product. Loss-of-function variants in HELLS are known to be pathogenic (PMID: 26216346). This variant is not present in population databases (gnomAD no frequency). This variant has not been reported in the literature in individuals affected with HELLS-related conditions. ClinVar contains an entry for this variant (Variation ID: 943584). For these reasons, this variant has been classified as Pathogenic.

Literature cited by the submitters: PubMed 26216346.

NM_018063.5(HELLS):c.385del (p.Arg129fs)

Gene: HELLS (helicase, lymphoid specific; plus strand). Cytogenetic location: 10q23.33.
Variant type: Deletion.
Coding change: c.385del on transcript NM_018063.5 (MANE Select); coding-DNA position 385, one base deleted (A; older notation c.385delA).
Protein change: p.Arg129fs; shifts the reading frame from arginine 129.
Molecular consequence: frameshift variant. On other transcripts: 5 prime UTR variant (2), intron variant (1).
Genome position (GRCh38, 1-based): chr10:94,562,826, A deleted; the last of 7 consecutive A bases (chr10:94,562,820-94,562,826); deleting any one gives the same sequence. VCF-style (leftmost placement, unchanged base first): chr10-94562819-GA-G. GRCh37 (hg19) VCF-style: chr10-96322576-GA-G.
Other names: c.385del, p.Arg129fs (NM_001289067.2, NM_001289069.2, NM_001289070.2 and 1 more transcripts); c.337del, p.Arg113fs (NM_001289068.2); c.13del, p.Arg5fs (NM_001289071.2); c.-618del (NM_001289074.2); c.-637del (NM_001289075.2); c.21+99del (NM_001289073.2); short protein forms R129fs, R5fs, R113fs.
Identifiers: ClinVar variation 943584 (VCV000943584.7), dbSNP rs757191914, ClinGen allele CA1139661633.